The following is an entry in ClinVar:

NM_001453.3(FOXC1):c.175G>A (p.Gly59Ser)

Gene: FOXC1 (forkhead box C1; plus strand). Cytogenetic location: 6p25.3.
Variant type: single nucleotide variant.
Coding change: c.175G>A on transcript NM_001453.3 (MANE Select); coding-DNA position 175, G replaced by A.
Protein change: p.Gly59Ser; replaces glycine 59 with serine.
Molecular consequence: missense variant.
Genome position (GRCh38, 1-based): chr6:1,610,620, G>A. VCF-style: chr6-1610620-G-A. GRCh37 (hg19) VCF-style: chr6-1610855-G-A.
Other names: c.175G>A (NM_001453.2); short protein forms G59S.
Identifiers: ClinVar variation 2898918 (VCV002898918.6), dbSNP rs1281310527, ClinGen allele CA362558237.

ClinVar aggregate classification (germline): Uncertain significance. Review status: criteria provided, multiple submitters, no conflicts (2 of 4 stars). 4 submissions from 4 submitters: Uncertain significance (4). Last evaluated 2026-09-01.

Conditions:
Axenfeld-Rieger syndrome type 3 (RIEG3). Also called: AXENFELD-RIEGER ANOMALY WITH CARDIAC DEFECTS AND/OR SENSORINEURAL HEARING LOSS. Identifiers: Orphanet 782, MedGen C2678503, MONDO:0011233, OMIM 602482.
FOXC1-related disorder. Also called: FOXC1-related condition.
Anterior segment dysgenesis 3 (ASGD3). Also called: IRIDOGONIODYSGENESIS ANOMALY, AUTOSOMAL DOMINANT; Glaucoma iridogoniodysplasia, familial. Identifiers: Orphanet 91483, MedGen C5975707, MONDO:0024456, OMIM 601631.

Allele frequency attached by ClinVar (database versions not stated): TOPMed 0.00001.

Submissions (4):

PreventionGenetics, part of Exact Sciences
Classification: Uncertain significance for FOXC1-related condition. Last evaluated: 2026-09-01. Review status: criteria provided, single submitter. Criteria: ACMG Guidelines, 2015. Collection method: clinical testing. Allele origin: germline.
Comment: The FOXC1 c.175G>A variant is predicted to result in the amino acid substitution p.Gly59Ser. To our knowledge, this variant has not been reported in the literature. This variant is reported in 0.0029% of alleles in individuals of Latino descent in gnomAD. At this time, the clinical significance of this variant is uncertain due to the absence of conclusive functional and genetic evidence.

Fulgent Genetics
Classification: Uncertain significance for Anterior segment dysgenesis 3; Axenfeld-Rieger syndrome type 3. Last evaluated: 2024-02-06. Review status: criteria provided, single submitter. Criteria: ACMG Guidelines, 2015. Collection method: clinical testing. Allele origin: germline.

Labcorp Genetics (formerly Invitae), Labcorp
Classification: Uncertain significance for Axenfeld-Rieger syndrome type 3. Last evaluated: 2023-09-05. Review status: criteria provided, single submitter. Criteria: Invitae Variant Classification Sherloc (09022015). Collection method: clinical testing. Allele origin: germline.
Comment: This sequence change replaces glycine, which is neutral and non-polar, with serine, which is neutral and polar, at codon 59 of the FOXC1 protein (p.Gly59Ser). This variant is present in population databases (no rsID available, gnomAD 0.003%). This variant has not been reported in the literature in individuals affected with FOXC1-related conditions. Algorithms developed to predict the effect of missense changes on protein structure and function output the following: SIFT: "Not Available"; PolyPhen-2: "Benign"; Align-GVGD: "Not Available". The serine amino acid residue is found in multiple mammalian species, which suggests that this missense change does not adversely affect protein function. In summary, the available evidence is currently insufficient to determine the role of this variant in disease. Therefore, it has been classified as a Variant of Uncertain Significance.

Blueprint Genetics
Classification: Uncertain significance. Last evaluated: 2022-09-13. Review status: criteria provided, single submitter. Criteria: ACMG Guidelines, 2015. Collection method: clinical testing. Allele origin: germline.